The following is an entry in ClinVar:

ClinVar aggregate classification (germline): Uncertain significance (1 of 4 stars; one submission).

gnomAD v4.1: 7 of 1,614,018 alleles (0.00043%); highest among the groups gnomAD compares: East Asian, 0.0089%; no homozygotes.

Submission:

GeneDx
Classification: Uncertain significance. Last evaluated: 2024-02-14. Review status: criteria provided, single submitter. Criteria: GeneDx Variant Classification Process June 2021. Collection method: clinical testing. Allele origin: germline. Affected: yes.
Comment: Not observed at significant frequency in large population cohorts (gnomAD); In silico analysis supports that this missense variant does not alter protein structure/function; Has not been previously published as pathogenic or benign to our knowledge

NM_025150.5(TARS2):c.2069G>A (p.Arg690His)

Gene: TARS2 (threonyl-tRNA synthetase 2, mitochondrial; plus strand). Cytogenetic location: 1q21.2.
Variant type: single nucleotide variant.
Coding change: c.2069G>A on transcript NM_025150.5 (MANE Select); coding-DNA position 2069, G replaced by A.
Protein change: p.Arg690His; replaces arginine 690 with histidine.
Molecular consequence: missense variant. On other transcripts: non-coding transcript variant (2).
Genome position (GRCh38, 1-based): chr1:150,506,976, G>A. VCF-style: chr1-150506976-G-A. GRCh37 (hg19) VCF-style: chr1-150479452-G-A.
Other names: c.1823G>A, p.Arg608His (NM_001271895.2); c.1679G>A, p.Arg560His (NM_001271896.2); short protein forms R560H, R608H, R690H.
Identifiers: ClinVar variation 3369200 (VCV003369200.1).